The following is an entry in ClinVar:

NM_003738.5(PTCH2):c.788G>C (p.Ser263Thr)

Gene: PTCH2 (patched 2; minus strand). Cytogenetic location: 1p34.1.
Variant type: single nucleotide variant.
Coding change: c.788G>C on transcript NM_003738.5 (MANE Select); coding-DNA position 788, G replaced by C.
Protein change: p.Ser263Thr; replaces serine 263 with threonine.
Molecular consequence: missense variant.
Genome position (GRCh38, 1-based): chr1:44,830,873, C>G on the plus strand (G>C on the coding strand, the complement: PTCH2 is on the minus strand). VCF-style: chr1-44830873-C-G. GRCh37 (hg19) VCF-style: chr1-45296545-C-G.
Other names: c.788G>C, p.Ser263Thr (NM_001166292.2); short protein forms S263T.
Identifiers: ClinVar variation 964398 (VCV000964398.13), dbSNP rs77102909, ClinGen allele CA823531.
Genomic context (GRCh38, chr1:44,830,873, plus strand): 5'-ACAGCCTTTCCCTGGCAGACCTGGTTGGAACCCACCTGCCTGCTGTGATGGTTGGGGGCA[C>G]TAGGTGGGCAGTGGAGGTCATCAGGGTGCAGACAGGGCCGCCCCACGTAGGCCTGGCCCA-3'
Protein context (NP_003729.3, residues 253-273): LHPDDLHCPP[Ser263Thr]APNHHSRQAP

ClinVar aggregate classification (germline): Uncertain significance. Review status: criteria provided, multiple submitters, no conflicts (2 of 4 stars). 4 submissions from 4 submitters: Uncertain significance (4). Last evaluated 2026-05-19.

Conditions:
Gorlin syndrome. Also called: Nevoid Basal Cell Carcinoma Syndrome; Basal cell nevus syndrome. Identifiers: Orphanet 377, MedGen C0004779, MONDO:0007187.
PTCH2-related disorder. Also called: PTCH2-related condition; PTCH2-related disease.
Medulloblastoma (MDB). Also called: Medulloblastoma, somatic; MEDULLOBLASTOMA PREDISPOSITION SYNDROME. Identifiers: Orphanet 616, MedGen C0025149, MeSH D008527, MONDO:0007959, OMIM 155255, HP:0002885.
Basal cell carcinoma, susceptibility to, 1. Also called: BCC1. Identifiers: MedGen C2751544, MONDO:0011556, OMIM 605462.

Allele frequency attached by ClinVar (database versions not stated): TOPMed 0.00003; 1000 Genomes Project 30x 0.00031; 1000 Genomes Project 0.00040.
gnomAD v4.1: 22 of 1,565,218 alleles (0.0014%); highest among the groups gnomAD compares: Admixed American, 0.032%; no homozygotes.

Submissions (4):

Women's Health and Genetics/Laboratory Corporation of America, LabCorp
Classification: Uncertain significance. Last evaluated: 2026-05-19. Review status: criteria provided, single submitter. Criteria: LabCorp Variant Classification Summary - May 2015. Collection method: clinical testing. Allele origin: germline.
Comment: Variant summary: PTCH2 c.788G>C (p.Ser263Thr) results in a conservative amino acid change in the encoded protein sequence. Algorithms developed to predict the effect of missense changes on protein structure and function are either unavailable or do not agree on the potential impact of this missense change. The variant allele was found at a frequency of 2.2e-05 in 229144 control chromosomes. The available data on variant occurrences in the general population are insufficient to allow any conclusion about variant significance. To our knowledge, no occurrence of c.788G>C in individuals affected with PTCH2-related conditions and no experimental evidence demonstrating its impact on protein function have been reported. ClinVar contains an entry for this variant (Variation ID: 964398). Based on the evidence outlined above, the variant was classified as uncertain significance.

PreventionGenetics, part of Exact Sciences
Classification: Uncertain significance for PTCH2-related condition. Last evaluated: 2025-08-14. Review status: criteria provided, single submitter. Criteria: ACMG Guidelines, 2015. Collection method: clinical testing. Allele origin: germline.
Comment: The PTCH2 c.788G>C variant is predicted to result in the amino acid substitution p.Ser263Thr. To our knowledge, this variant has not been reported in the literature. This variant is reported in 0.013% of alleles in individuals of Latino descent in gnomAD and is classified as a variant of uncertain significance in ClinVar (Variation ID: 964398). At this time, the clinical significance of this variant is uncertain due to the absence of conclusive functional and genetic evidence.

Fulgent Genetics
Classification: Uncertain significance for Medulloblastoma; Basal cell carcinoma, susceptibility to, 1. Last evaluated: 2024-04-15. Review status: criteria provided, single submitter. Criteria: ACMG Guidelines, 2015. Collection method: clinical testing. Allele origin: germline.

Labcorp Genetics (formerly Invitae), Labcorp
Classification: Uncertain significance for Gorlin syndrome. Last evaluated: 2022-05-04. Review status: criteria provided, single submitter. Criteria: Invitae Variant Classification Sherloc (09022015). Collection method: clinical testing. Allele origin: germline.
Comment: This sequence change replaces serine, which is neutral and polar, with threonine, which is neutral and polar, at codon 263 of the PTCH2 protein (p.Ser263Thr). ClinVar contains an entry for this variant (Variation ID: 964398). In summary, the available evidence is currently insufficient to determine the role of this variant in disease. Therefore, it has been classified as a Variant of Uncertain Significance. Algorithms developed to predict the effect of missense changes on protein structure and function output the following: SIFT: "Tolerated"; PolyPhen-2: "Benign"; Align-GVGD: "Class C0". The threonine amino acid residue is found in multiple mammalian species, which suggests that this missense change does not adversely affect protein function. This variant has not been reported in the literature in individuals affected with PTCH2-related conditions. This variant is present in population databases (rs77102909, gnomAD 0.02%).